The following is an entry in ClinVar:

ClinVar aggregate classification (germline): Uncertain significance (1 of 4 stars; one submission).

Conditions:
Familial hypobetalipoproteinemia 1. Also called: APOB-Related Familial Hypobetalipoproteinemia; Hypobetalipoproteinemia, normotriglyceridemic; Acanthocytosis with hypobetalipoproteinemia. Identifiers: MedGen C4551990, MONDO:0014252, OMIM 615558.
Hypercholesterolemia, autosomal dominant, type B (FHCL2). Also called: Familial Hypercholesterolemia Type B; APOLIPOPROTEIN B-100, FAMILIAL DEFECTIVE; APOLIPOPROTEIN B-100, FAMILIAL LIGAND-DEFECTIVE; HYPERCHOLESTEROLEMIA, FAMILIAL, DUE TO LIGAND-DEFECTIVE APOLIPOPROTEIN B; Hyperlipoproteinemia Type IIb; Familial hypercholesterolemia 2. Identifiers: MedGen C1704417, MONDO:0007751, OMIM 144010.

gnomAD v4.1: 2 of 1,614,052 alleles (0.00012%); highest among the groups gnomAD compares: Non-Finnish European, 0.00017%; no homozygotes.

Submission:

Labcorp Genetics (formerly Invitae), Labcorp
Classification: Uncertain significance for Familial hypobetalipoproteinemia 1; Hypercholesterolemia, autosomal dominant, type B. Last evaluated: 2024-10-21. Review status: criteria provided, single submitter. Criteria: Invitae Variant Classification Sherloc (09022015). Collection method: clinical testing. Allele origin: germline.
Comment: This sequence change replaces glutamine, which is neutral and polar, with lysine, which is basic and polar, at codon 2078 of the APOB protein (p.Gln2078Lys). This variant is not present in population databases (gnomAD no frequency). This variant has not been reported in the literature in individuals affected with APOB-related conditions. Invitae Evidence Modeling of protein sequence and biophysical properties (such as structural, functional, and spatial information, amino acid conservation, physicochemical variation, residue mobility, and thermodynamic stability) indicates that this missense variant is not expected to disrupt APOB protein function with a negative predictive value of 95%. In summary, the available evidence is currently insufficient to determine the role of this variant in disease. Therefore, it has been classified as a Variant of Uncertain Significance.

NM_000384.3(APOB):c.6232C>A (p.Gln2078Lys)

Gene: APOB (apolipoprotein B; minus strand). Cytogenetic location: 2p24.1.
Variant type: single nucleotide variant.
Coding change: c.6232C>A on transcript NM_000384.3 (MANE Select); coding-DNA position 6232, C replaced by A.
Protein change: p.Gln2078Lys; replaces glutamine 2078 with lysine.
Molecular consequence: missense variant.
Genome position (GRCh38, 1-based): chr2:21,010,636, G>T on the plus strand (C>A on the coding strand, the complement: APOB is on the minus strand). VCF-style: chr2-21010636-G-T. GRCh37 (hg19) VCF-style: chr2-21233508-G-T.
Other names: short protein forms Q2078K.
Identifiers: ClinVar variation 3762025 (VCV003762025.2).
Genomic context (GRCh38, chr2:21,010,636, plus strand): 5'-TTCTCTGTACGTTTTCCAGTACAACTATAATGGTTTGTCGATTCCTCTCAAAATATTCTT[G>T]CAAGGTCTCAAAAAATGGGAGGTTAATGGAGTGAACATCTTGGTTTTTATCATACTTTAC-3'
Protein context (NP_000375.3, residues 2068-2088): SINLPFFETL[Gln2078Lys]EYFERNRQTI